The following is an entry in ClinVar:

NM_001273.5(CHD4):c.4725_4739del (p.Ser1576_Glu1580del)

Genes: CHD4 (chromodomain helicase DNA binding protein 4; minus strand), CHD4-AS1 (CHD4 antisense RNA 1; plus strand). Cytogenetic location: 12p13.31.
Variant type: Deletion.
Coding change: c.4725_4739del on transcript NM_001273.5 (MANE Select); coding-DNA positions 4725 to 4739, 15 bases deleted (GAGCATAGAAGGAGA).
Protein change: p.Ser1576_Glu1580del.
Molecular consequence: inframe deletion.
Genome position (GRCh38, 1-based): chr12:6,581,331-6,581,345, TCTCCTTCTATGCTC deleted on the plus strand (GAGCATAGAAGGAGA on the coding strand, the reverse complement: CHD4 is on the minus strand); deleting any 15 consecutive bases within chr12:6,581,331-6,581,348 gives the same sequence; the c. name uses the placement nearest the transcript's 3' end. VCF-style (leftmost placement, unchanged base first): chr12-6581330-TTCTCCTTCTATGCTC-T. GRCh37 (hg19) VCF-style: chr12-6690496-TTCTCCTTCTATGCTC-T.
Other names: c.4704_4718del, p.Ser1569_Glu1573del (NM_001297553.2); c.4686_4700del, p.Ser1563_Glu1567del (NM_001363606.2).
Identifiers: ClinVar variation 3343485 (VCV003343485.1).
Genomic context (GRCh38, chr12:6,581,330, plus strand): 5'-TTCAGTCACCCCATCTCTTACCTCAATGGCAGTCTCAGGGGCTGTAGATTTAACCTCCTT[TTCTCCTTCTATGCTC>T]TCTTCTTCTTTGAGGCTATTTTCCTCTATTTTTATCCCATCTTCTGCAGAACAATAAAAG-3'

ClinVar aggregate classification (germline): Uncertain significance (1 of 4 stars; one submission).

Submission:

GeneDx
Classification: Uncertain significance. Last evaluated: 2023-05-11. Review status: criteria provided, single submitter. Criteria: GeneDx Variant Classification Process June 2021. Collection method: clinical testing. Allele origin: germline. Affected: yes.
Comment: Not observed at significant frequency in large population cohorts (gnomAD); In-frame deletion of 5 amino acids in a non-repeat region; In silico analysis supports a deleterious effect on protein structure/function; Has not been previously published as pathogenic or benign to our knowledge